The following is an entry in ClinVar:

ClinVar aggregate classification (germline): Benign (1 of 4 stars; one submission).

Allele frequency attached by ClinVar (database versions not stated): 1000 Genomes Project 30x 0.00219; 1000 Genomes Project 0.00220; TOPMed 0.00638; gnomAD 0.00681; gnomAD exomes 0.00719.
gnomAD v4.1: 1,815 of 260,926 alleles (0.7%); highest among the groups gnomAD compares: Non-Finnish European, 1.1%; 11 homozygotes.

Submission:

CeGaT Center for Human Genetics Tuebingen
Classification: Benign. Last evaluated: 2026-09-01. Review status: criteria provided, single submitter. Criteria: CeGaT Center For Human Genetics Tuebingen Variant Classification Criteria Version 2. Collection method: clinical testing. Allele origin: germline. Affected: yes. Observed: 6 variant alleles.
Comment: CITED2: BS1, BS2

NM_006079.5(CITED2):c.-91G>A

Gene: CITED2 (Cbp/p300 interacting transactivator with ED-rich tail 2; minus strand). Cytogenetic location: 6q24.1.
Variant type: single nucleotide variant.
Coding change: c.-91G>A on transcript NM_006079.5 (MANE Select); 91 bases upstream of the start codon, G replaced by A.
Molecular consequence: 5 prime UTR variant.
Genome position (GRCh38, 1-based): chr6:139,374,495, C>T on the plus strand (G>A on the coding strand, the complement: CITED2 is on the minus strand). VCF-style: chr6-139374495-C-T. GRCh37 (hg19) VCF-style: chr6-139695632-C-T.
Identifiers: ClinVar variation 3250859 (VCV003250859.18), dbSNP rs41289825.
Genomic context (GRCh38, chr6:139,374,495, plus strand): 5'-TCCGAAGACCGAGGGCGGGCTCGTCGCGTCCAGGACCGGCTCAGCAGCACATAGAGGGGA[C>T]CTTCCTGGCGTGCAAAGCGCTTCGCTGTCGCGATGTCGGCGCCGAGGTCTCGCAGCGGCC-3'